The following is an entry in ClinVar:

NM_001231.5(CASQ1):c.782+5G>A

Gene: CASQ1 (calsequestrin 1; plus strand). Cytogenetic location: 1q23.2.
Variant type: single nucleotide variant.
Coding change: c.782+5G>A on transcript NM_001231.5 (MANE Select); 5 bases into the intron after coding-DNA position 782, G replaced by A.
Molecular consequence: intron variant.
Genome position (GRCh38, 1-based): chr1:160,196,032, G>A. VCF-style: chr1-160196032-G-A. GRCh37 (hg19) VCF-style: chr1-160165822-G-A.
Identifiers: ClinVar variation 2758863 (VCV002758863.3), dbSNP rs1393446786, ClinGen allele CA2697554620.

ClinVar aggregate classification (germline): Uncertain significance (1 of 4 stars; one submission).

Submission:

Labcorp Genetics (formerly Invitae), Labcorp
Classification: Uncertain significance. Last evaluated: 2023-10-06. Review status: criteria provided, single submitter. Criteria: Invitae Variant Classification Sherloc (09022015). Collection method: clinical testing. Allele origin: germline.
Comment: This sequence change falls in intron 6 of the CASQ1 gene. It does not directly change the encoded amino acid sequence of the CASQ1 protein. It affects a nucleotide within the consensus splice site. This variant is not present in population databases (gnomAD no frequency). This variant has not been reported in the literature in individuals affected with CASQ1-related conditions. Variants that disrupt the consensus splice site are a relatively common cause of aberrant splicing (PMID: 17576681, 9536098). Algorithms developed to predict the effect of sequence changes on RNA splicing suggest that this variant may create or strengthen a splice site. In summary, the available evidence is currently insufficient to determine the role of this variant in disease. Therefore, it has been classified as a Variant of Uncertain Significance.

Literature cited by the submitters: PubMed 17576681; PubMed 9536098.